The following is an entry in ClinVar:

NM_001348323.3(TRIP12):c.5486A>C (p.Asp1829Ala)

Gene: TRIP12 (thyroid hormone receptor interactor 12; minus strand). Cytogenetic location: 2q36.3.
Variant type: single nucleotide variant.
Coding change: c.5486A>C on transcript NM_001348323.3 (MANE Select); coding-DNA position 5486, A replaced by C.
Protein change: p.Asp1829Ala; replaces aspartic acid 1829 with alanine.
Molecular consequence: missense variant.
Genome position (GRCh38, 1-based): chr2:229,777,358, T>G on the plus strand (A>C on the coding strand, the complement: TRIP12 is on the minus strand). VCF-style: chr2-229777358-T-G. GRCh37 (hg19) VCF-style: chr2-230642074-T-G.
Other names: c.5405A>C, p.Asp1802Ala (NM_001284214.2, NM_001348315.2); c.5360A>C, p.Asp1787Ala (NM_001284215.2, NM_001348316.2); c.4451A>C, p.Asp1484Ala (NM_001284216.2); c.5345A>C, p.Asp1782Ala (NM_001348317.1, NM_001348318.2); c.5471A>C, p.Asp1824Ala (NM_001348319.1, NM_001348320.2); c.5474A>C, p.Asp1825Ala (NM_001348321.1); c.5486A>C, p.Asp1829Ala (NM_001348322.1, NM_001348324.2, NM_001348325.2 and 2 more transcripts); c.5489A>C, p.Asp1830Ala (NM_001348328.1, NM_001348329.2, NM_001348330.2); and 4 more; short protein forms D1754A, D1787A, D1830A, D1802A, D1484A, D1755A, D1795A, D1825A.
Identifiers: ClinVar variation 5008925 (VCV005008925.1).

ClinVar aggregate classification (germline): Uncertain significance (1 of 4 stars; one submission).

gnomAD v4.1: 2 of 1,613,868 alleles (0.00012%); highest among the groups gnomAD compares: Non-Finnish European, 0.00017%; no homozygotes.

Submission:

GeneDx
Classification: Uncertain significance. Last evaluated: 2026-03-10. Review status: criteria provided, single submitter. Criteria: GeneDx Variant Classification Process June 2021. Collection method: clinical testing. Allele origin: germline.
Comment: Not observed at significant frequency in large population cohorts (gnomAD); In silico analysis supports that this missense variant has a deleterious effect on protein structure/function; Has not been previously published as pathogenic or benign to our knowledge